The following is an entry in ClinVar:

ClinVar aggregate classification (germline): Benign (0 of 4 stars; one submission).

Conditions:
SLC28A1-related disorder. Also called: SLC28A1-related condition.

Allele frequency attached by ClinVar (database versions not stated): 1000 Genomes Project 0.00739; ESP Exome Variant Server 0.00768; 1000 Genomes Project 30x 0.00781; ExAC 0.00855; gnomAD 0.00914; TOPMed 0.01032; gnomAD exomes 0.01137.

Submission:

PreventionGenetics, part of Exact Sciences
Classification: Benign for SLC28A1-related condition. Last evaluated: 2019-11-08. Review status: no assertion criteria provided. Collection method: clinical testing. Allele origin: germline.
Comment: This variant is classified as benign based on ACMG/AMP sequence variant interpretation guidelines (Richards et al. 2015 PMID: 25741868, with internal and published modifications).

NM_004213.5(SLC28A1):c.124T>C (p.Leu42=)

Gene: SLC28A1 (solute carrier family 28 member 1; plus strand). Cytogenetic location: 15q25.3.
Variant type: single nucleotide variant.
Coding change: c.124T>C on transcript NM_004213.5 (MANE Select); coding-DNA position 124, T replaced by C.
Protein change: p.Leu42=; no amino-acid change (leucine 42 retained).
Molecular consequence: synonymous variant.
Genome position (GRCh38, 1-based): chr15:84,888,799, T>C. VCF-style: chr15-84888799-T-C. GRCh37 (hg19) VCF-style: chr15-85432030-T-C.
Other names: c.124T>C, p.Leu42= (NM_001287761.2, NM_001287762.2, NM_001321721.2 and 2 more transcripts).
Identifiers: ClinVar variation 3042333 (VCV003042333.2), dbSNP rs17222302, ClinGen allele CA7710235.
Genomic context (GRCh38, chr15:84,888,799, plus strand): 5'-CAGGCCGACCTGACGGCTCCCTGCGGGCTGTAGGAGGAAGGCCAGCTCCCTAGGAGTGAC[T>C]TGAGCCCCGCAGAGATCAGGAGCAGCTGGAGCGAGGCGGCGCCGAAGCCCTTCTCCAGAT-3'
Protein context (NP_004204.3, residues 32-52): LEEGQLPRSD[Leu42=]SPAEIRSSWS